The following is an entry in ClinVar:

NM_001003800.2(BICD2):c.1939_1998del (p.Arg647_Asp666del)

Gene: BICD2 (BICD cargo adaptor 2; minus strand). Cytogenetic location: 9q22.31.
Variant type: Deletion.
Coding change: c.1939_1998del on transcript NM_001003800.2 (MANE Select); coding-DNA positions 1939 to 1998, 60 bases deleted.
Protein change: p.Arg647_Asp666del.
Molecular consequence: inframe deletion.
Genome position (GRCh38, 1-based): chr9:92,718,647-92,718,706, 60 bases deleted. GRCh37 (hg19): chr9:95,480,938-95,480,997.
Other names: c.1939_1998del, p.Arg647_Asp666del (NM_015250.4).
Identifiers: ClinVar variation 2632992 (VCV002632992.1), dbSNP rs2490443007, ClinGen allele CA2695201604.

ClinVar aggregate classification (germline): Uncertain significance (1 of 4 stars; one submission).

Conditions:
BICD2-related disorder. Also called: BICD2-related condition.

Submission:

PreventionGenetics, part of Exact Sciences
Classification: Uncertain significance for BICD2-related condition. Last evaluated: 2023-04-18. Review status: criteria provided, single submitter. Criteria: ACMG Guidelines, 2015. Collection method: clinical testing. Allele origin: germline.
Comment: The BICD2 c.1939_1998del60 variant is predicted to result in an in-frame deletion (p.Arg647_Asp666del). To our knowledge, this variant has not been reported in the literature or in a large population database, indicating this variant is rare. At this time, the clinical significance of this variant is uncertain due to the absence of conclusive functional and genetic evidence.